The following is an entry in ClinVar:

ClinVar aggregate classification (germline): Likely pathogenic (1 of 4 stars; one submission).

Conditions:
Developmental and epileptic encephalopathy, 42 (DEE42A). Also called: Epileptic encephalopathy, early infantile, 42; DEVELOPMENTAL AND EPILEPTIC ENCEPHALOPATHY 42A; EPILEPTIC ENCEPHALOPATHY, EARLY INFANTILE, 42A. Identifiers: MedGen C4310716, MONDO:0014917, OMIM 617106.

Submission:

3billion
Classification: Likely pathogenic for Developmental and epileptic encephalopathy, 42. Last evaluated: 2022-03-22. Review status: criteria provided, single submitter. Criteria: ACMG Guidelines, 2015. Collection method: clinical testing. Allele origin: germline. Affected: yes. Observed: 1 heterozygote.
Comment: Stop-gained (nonsense): predicted to result in a loss or disruption of normal protein function through nonsense-mediated decay (NMD) or protein truncation. Multiple pathogenic variants are reported downstream of the variant.It is not observed in the gnomAD v2.1.1 dataset. Therefore, this variant is classified as likely pathogenic according to the recommendation of ACMG/AMP guideline.

NM_001127222.2(CACNA1A):c.3134C>G (p.Ser1045Ter)

Gene: CACNA1A (calcium voltage-gated channel subunit alpha1 A; minus strand). Cytogenetic location: 19p13.13.
Variant type: single nucleotide variant.
Coding change: c.3134C>G on transcript NM_001127222.2 (MANE Select); coding-DNA position 3134, C replaced by G.
Protein change: p.Ser1045Ter; replaces serine 1045 with a stop codon.
Molecular consequence: nonsense.
Genome position (GRCh38, 1-based): chr19:13,286,922, G>C on the plus strand (C>G on the coding strand, the complement: CACNA1A is on the minus strand). VCF-style: chr19-13286922-G-C. GRCh37 (hg19) VCF-style: chr19-13397736-G-C.
Other names: c.3146C>G, p.Ser1049Ter (NM_000068.4, NM_023035.3); c.3137C>G, p.Ser1046Ter (NM_001127221.2, NM_001174080.2); short protein forms S1045*, S1046*, S1049*.
Identifiers: ClinVar variation 1526068 (VCV001526068.1), dbSNP rs2144889289, ClinGen allele CA404341995.
Genomic context (GRCh38, chr19:13,286,922, plus strand): 5'-ATATCCTCTGCCAGGGGTGGGTCTTGGCGGCCCAGGTCCTGCTGGATTGGCCGGGTGGTT[G>C]ACAGGTTGGGGCCCGACACAGGGACCCCGGAGCCCTGGTTCTCTCTGAGGAAGGCAAGTG-3'